The following is an entry in ClinVar:

NM_005450.6(NOG):c.287G>A (p.Gly96Glu)

Gene: NOG (noggin; plus strand). Cytogenetic location: 17q22.
Variant type: single nucleotide variant.
Coding change: c.287G>A on transcript NM_005450.6 (MANE Select); coding-DNA position 287, G replaced by A.
Protein change: p.Gly96Glu; replaces glycine 96 with glutamic acid.
Molecular consequence: missense variant.
Genome position (GRCh38, 1-based): chr17:56,594,510, G>A. VCF-style: chr17-56594510-G-A. GRCh37 (hg19) VCF-style: chr17-54671871-G-A.
Other names: short protein forms G96E.
Identifiers: ClinVar variation 2854242 (VCV002854242.3), dbSNP rs769391519, ClinGen allele CA399965461.
Genomic context (GRCh38, chr17:56,594,510, plus strand): 5'-CAGGCTTCATGGCCACCTCGCCCCCCGAGGACCGGCCCGGCGGGGGCGGGGGTGCAGCTG[G>A]GGGCGCGGAGGACCTGGCGGAGCTGGACCAGCTGCTGCGGCAGCGGCCGTCGGGGGCCAT-3'
Protein context (NP_005441.1, residues 86-106): DRPGGGGGAA[Gly96Glu]GAEDLAELDQ

ClinVar aggregate classification (germline): Uncertain significance (1 of 4 stars; one submission).

Submission:

Labcorp Genetics (formerly Invitae), Labcorp
Classification: Uncertain significance. Last evaluated: 2022-11-14. Review status: criteria provided, single submitter. Criteria: Invitae Variant Classification Sherloc (09022015). Collection method: clinical testing. Allele origin: germline.
Comment: This sequence change replaces glycine, which is neutral and non-polar, with glutamic acid, which is acidic and polar, at codon 96 of the NOG protein (p.Gly96Glu). This variant is not present in population databases (gnomAD no frequency). This variant has not been reported in the literature in individuals affected with NOG-related conditions. Algorithms developed to predict the effect of missense changes on protein structure and function are either unavailable or do not agree on the potential impact of this missense change (SIFT: "Deleterious"; PolyPhen-2: "Benign"; Align-GVGD: "Class C0"). In summary, the available evidence is currently insufficient to determine the role of this variant in disease. Therefore, it has been classified as a Variant of Uncertain Significance.